The following is an entry in ClinVar:

NM_001042681.2(RERE):c.186CAA[1] (p.Asn64del)

Gene: RERE (arginine-glutamic acid dipeptide repeats; minus strand). Cytogenetic location: 1p36.23.
Variant type: Microsatellite.
Coding change: c.186CAA[1] on transcript NM_001042681.2 (MANE Select); one copy of the 3-base unit CAA starting at c.186; the reference has two copies in a row; one copy, 3 bases deleted; also written c.189_191del.
Protein change: p.Asn64del; deletes asparagine 64.
Molecular consequence: inframe deletion.
Genome position (GRCh38, 1-based): chr1:8,656,107-8,656,109, TTG deleted on the plus strand (CAA on the coding strand, the reverse complement: RERE is on the minus strand); deleting any 3 consecutive bases within chr1:8,656,107-8,656,113 gives the same sequence; the position shown is the placement nearest the transcript's 3' end. VCF-style (leftmost placement, unchanged base first): chr1-8656106-ATTG-A. GRCh37 (hg19) VCF-style: chr1-8716165-ATTG-A.
Other names: c.186CAA[1], p.Asn64del (NM_012102.4); c.189_191del (NM_001042681.2); short protein forms N64del.
Identifiers: ClinVar variation 4884014 (VCV004884014.2).

ClinVar aggregate classification (germline): Uncertain significance (1 of 4 stars; one submission).

Conditions:
Neurodevelopmental disorder with or without anomalies of the brain, eye, or heart (NEDBEH). Identifiers: Orphanet 494344, MedGen C5567477, MONDO:0014857, OMIM 616975.

Submission:

Dasa
Classification: Uncertain significance for neurodevelopmental disorder with or without anomalies of the brain, eye, or heart. Last evaluated: 2026-04-04. Review status: criteria provided, single submitter. Criteria: DASA Assertion Criteria. Collection method: clinical testing. Allele origin: germline.
Comment: NM_001042681.2(RERE):c.189_191del (p.Asn64del) is an in-frame deletion predicted to remove asparagine at protein position 64 without shifting the reading frame. This variant is absent from population databases. The currently available literature and clinical evidence are not sufficient to establish a definitive association between this variant and the reported condition. Therefore, this variant is classified as a variant of uncertain significance.